The following is an entry in ClinVar:

ClinVar aggregate classification (germline): Uncertain significance. Review status: criteria provided, single submitter (1 of 4 stars). 2 submissions from 2 submitters: Uncertain significance (1). 1 of the submissions does not count toward it. Last evaluated 2025-08-25.

Conditions:
Inborn genetic diseases. Identifiers: MedGen C0950123, MeSH D030342.
BBS2-related disorder. Also called: BBS2-related disorders; BBS2-related condition. Identifiers: MedGen CN239228.

gnomAD v4.1: 2 of 1,614,142 alleles (0.00012%); highest among the groups gnomAD compares: African/African-American, 0.0013%; no homozygotes.

Submissions (2):

Ambry Genetics
Classification: Uncertain significance for Inborn genetic diseases. Last evaluated: 2025-08-25. Review status: criteria provided, single submitter. Criteria: Ambry Variant Classification Scheme 2023. Collection method: clinical testing. Allele origin: germline.

PreventionGenetics, part of Exact Sciences
Classification: Uncertain significance for BBS2-related condition. Last evaluated: 2024-02-20. Review status: no assertion criteria provided. Collection method: clinical testing. Allele origin: germline. Not counted in ClinVar's aggregate classification.
Comment: The BBS2 c.568G>A variant is predicted to result in the amino acid substitution p.Val190Ile. To our knowledge, this variant has not been reported in the literature or in a large population database, indicating this variant is rare. At this time, the clinical significance of this variant is uncertain due to the absence of conclusive functional and genetic evidence.

NM_031885.5(BBS2):c.568G>A (p.Val190Ile)

Gene: BBS2 (Bardet-Biedl syndrome 2; minus strand). Cytogenetic location: 16q13.
Variant type: single nucleotide variant.
Coding change: c.568G>A on transcript NM_031885.5 (MANE Select); coding-DNA position 568, G replaced by A.
Protein change: p.Val190Ile; replaces valine 190 with isoleucine.
Molecular consequence: missense variant. On other transcripts: non-coding transcript variant (5).
Genome position (GRCh38, 1-based): chr16:56,510,001, C>T on the plus strand (G>A on the coding strand, the complement: BBS2 is on the minus strand). VCF-style: chr16-56510001-C-T. GRCh37 (hg19) VCF-style: chr16-56543913-C-T.
Other names: c.568G>A, p.Val190Ile (NM_001377456.1); short protein forms V190I.
Identifiers: ClinVar variation 3357320 (VCV003357320.2).